The following is an entry in ClinVar:

ClinVar aggregate classification (germline): Uncertain significance (1 of 4 stars; one submission).

Conditions:
Hereditary cancer-predisposing syndrome. Also called: Hereditary Cancer Syndrome; Neoplastic Syndromes, Hereditary; Tumor predisposition; Hereditary neoplastic syndrome. Identifiers: Orphanet 140162, MedGen C0027672, MeSH D009386, MONDO:0015356.

Submission:

Ambry Genetics
Classification: Uncertain significance for Hereditary cancer-predisposing syndrome. Last evaluated: 2023-02-25. Review status: criteria provided, single submitter. Criteria: Ambry Variant Classification Scheme 2023. Collection method: clinical testing. Allele origin: germline.
Comment: The p.H1661R variant (also known as c.4982A>G), located in coding exon 32 of the ATM gene, results from an A to G substitution at nucleotide position 4982. The histidine at codon 1661 is replaced by arginine, an amino acid with highly similar properties. This amino acid position is well conserved in available vertebrate species. In addition, this alteration is predicted to be tolerated by in silico analysis. Since supporting evidence is limited at this time, the clinical significance of this alteration remains unclear.

NM_000051.4(ATM):c.4982A>G (p.His1661Arg)

Gene: ATM (ATM serine/threonine kinase; plus strand). Cytogenetic location: 11q22.3.
Variant type: single nucleotide variant.
Coding change: c.4982A>G on transcript NM_000051.4 (MANE Select); coding-DNA position 4982, A replaced by G.
Protein change: p.His1661Arg; replaces histidine 1661 with arginine.
Molecular consequence: missense variant.
Genome position (GRCh38, 1-based): chr11:108,297,359, A>G. VCF-style: chr11-108297359-A-G. GRCh37 (hg19) VCF-style: chr11-108168086-A-G.
Other names: c.4982A>G, p.His1661Arg (NM_001351834.2); short protein forms H1661R.
Identifiers: ClinVar variation 481345 (VCV000481345.6), dbSNP rs1555103285, ClinGen allele CA382538473.